The following is an entry in ClinVar:

NM_000321.3(RB1):c.1325G>C (p.Gly442Ala)

Gene: RB1 (RB transcriptional corepressor 1; plus strand). Cytogenetic location: 13q14.2.
Variant type: single nucleotide variant.
Coding change: c.1325G>C on transcript NM_000321.3 (MANE Select); coding-DNA position 1325, G replaced by C.
Protein change: p.Gly442Ala; replaces glycine 442 with alanine.
Molecular consequence: missense variant.
Genome position (GRCh38, 1-based): chr13:48,377,027, G>C. VCF-style: chr13-48377027-G-C. GRCh37 (hg19) VCF-style: chr13-48951163-G-C.
Other names: short protein forms G442A.
Identifiers: ClinVar variation 570851 (VCV000570851.19), dbSNP rs1370947947, ClinGen allele CA388162181.
Genomic context (GRCh38, chr13:48,377,027, plus strand): 5'-TAGGATACATCTTTAAAGAGAAATTTGCTAAAGCTGTGGGACAGGGTTGTGTCGAAATTG[G>C]ATCACAGGTAACTTGAATTCATTGTAATTCGTGGTACTATAGAGTAATAATATTAAAAGC-3'
Protein context (NP_000312.2, residues 432-452): KAVGQGCVEI[Gly442Ala]SQRYKLGVRL

ClinVar aggregate classification (germline): Uncertain significance. Review status: criteria provided, multiple submitters, no conflicts (2 of 4 stars). 4 submissions from 4 submitters: Uncertain significance (4). Last evaluated 2025-07-03.

Conditions:
Retinoblastoma (RB1). Also called: RETINOBLASTOMA, SOMATIC. Identifiers: Orphanet 790, MedGen C0035335, MeSH D012175, MONDO:0008380, OMIM 180200, HP:0009919. Disease mechanism: loss of function. Inheritance: Both sporadic and heritable forms are tested..
Hereditary cancer-predisposing syndrome. Also called: Hereditary neoplastic syndrome; Tumor predisposition; Neoplastic Syndromes, Hereditary; Hereditary Cancer Syndrome. Identifiers: Orphanet 140162, MedGen C0027672, MeSH D009386, MONDO:0015356.

Allele frequency attached by ClinVar (database versions not stated): gnomAD exomes below 0.00001 and 0.00001; TOPMed below 0.00001.
gnomAD v4.1: 2 of 1,613,552 alleles (0.00012%); highest among the groups gnomAD compares: Non-Finnish European, 0.00017%; no homozygotes.

Submissions (4):

Color Diagnostics, LLC DBA Color Health
Classification: Uncertain significance for Retinoblastoma. Last evaluated: 2025-07-03. Review status: criteria provided, single submitter. Criteria: ACMG Guidelines, 2015. Collection method: clinical testing. Allele origin: germline.
Comment: This missense variant replaces glycine with alanine at codon 442 of the RB1 protein. Computational prediction suggests that this variant may have deleterious impact on protein structure and function. To our knowledge, functional studies have not been reported for this variant. This variant has not been reported in individuals affected with RB1-related disorders in the literature. This variant has been identified in 2/251042 chromosomes in the general population by the Genome Aggregation Database (gnomAD). The available evidence is insufficient to determine the role of this variant in disease conclusively. Therefore, this variant is classified as a Variant of Uncertain Significance.

Ambry Genetics
Classification: Uncertain significance for Hereditary cancer-predisposing syndrome. Last evaluated: 2025-03-26. Review status: criteria provided, single submitter. Criteria: Ambry Variant Classification Scheme 2023. Collection method: clinical testing. Allele origin: germline.
Comment: The p.G442A variant (also known as c.1325G>C), located in coding exon 13 of the RB1 gene, results from a G to C substitution at nucleotide position 1325. The glycine at codon 442 is replaced by alanine, an amino acid with similar properties. This amino acid position is highly conserved in available vertebrate species. In addition, this alteration is predicted to be deleterious by in silico analysis. Since supporting evidence is limited at this time, the clinical significance of this alteration remains unclear.

Labcorp Genetics (formerly Invitae), Labcorp
Classification: Uncertain significance for Retinoblastoma. Last evaluated: 2024-10-28. Review status: criteria provided, single submitter. Criteria: Invitae Variant Classification Sherloc (09022015). Collection method: clinical testing. Allele origin: germline.
Comment: This sequence change replaces glycine, which is neutral and non-polar, with alanine, which is neutral and non-polar, at codon 442 of the RB1 protein (p.Gly442Ala). This variant is present in population databases (no rsID available, gnomAD 0.002%). This variant has not been reported in the literature in individuals affected with RB1-related conditions. ClinVar contains an entry for this variant (Variation ID: 570851). Invitae Evidence Modeling of protein sequence and biophysical properties (such as structural, functional, and spatial information, amino acid conservation, physicochemical variation, residue mobility, and thermodynamic stability) indicates that this missense variant is not expected to disrupt RB1 protein function with a negative predictive value of 80%. In summary, the available evidence is currently insufficient to determine the role of this variant in disease. Therefore, it has been classified as a Variant of Uncertain Significance.

Institute for Clinical Genetics, University Hospital TU Dresden, University Hospital TU Dresden
Classification: Uncertain significance. Last evaluated: 2021-11-03. Review status: criteria provided, single submitter. Criteria: ACMG Guidelines, 2015. Collection method: clinical testing. Allele origin: germline.